The following is an entry in ClinVar:

ClinVar aggregate classification (germline): Uncertain significance (1 of 4 stars; one submission).

Conditions:
Loeys-Dietz syndrome 2 (LDS2). Also called: TGFBR2-Related Loeys-Dietz Syndrome; Marfan Syndrome type 2; Marfan like connective tissue disorder; MFS 2; AORTIC ANEURYSM, FAMILIAL THORACIC 3; MARFAN SYNDROME, TYPE II. Identifiers: Orphanet 284973, Orphanet 558, MedGen C2674574, MONDO:0012427, OMIM 610168.

gnomAD v4.1: 2 of 1,614,056 alleles (0.00012%); highest among the groups gnomAD compares: Admixed American, 0.0033%; no homozygotes.

Submission:

Labcorp Genetics (formerly Invitae), Labcorp
Classification: Uncertain significance for Loeys-Dietz syndrome 2. Last evaluated: 2024-05-09. Review status: criteria provided, single submitter. Criteria: Invitae Variant Classification Sherloc (09022015). Collection method: clinical testing. Allele origin: germline.
Comment: This sequence change replaces isoleucine, which is neutral and non-polar, with valine, which is neutral and non-polar, at codon 544 of the TMPO protein (p.Ile544Val). This variant is not present in population databases (gnomAD no frequency). This variant has not been reported in the literature in individuals affected with TMPO-related conditions. Advanced modeling of protein sequence and biophysical properties (such as structural, functional, and spatial information, amino acid conservation, physicochemical variation, residue mobility, and thermodynamic stability) performed at Invitae indicates that this missense variant is not expected to disrupt TMPO protein function with a negative predictive value of 80%. In summary, the available evidence is currently insufficient to determine the role of this variant in disease. Therefore, it has been classified as a Variant of Uncertain Significance.

NM_001032283.3(TMPO):c.565+2049A>G

Gene: TMPO (thymopoietin; plus strand). Cytogenetic location: 12q23.1.
Variant type: single nucleotide variant.
Coding change: c.565+2049A>G on transcript NM_001032283.3 (MANE Select); 2049 bases into the intron after coding-DNA position 565, A replaced by G.
Molecular consequence: intron variant. On other transcripts: missense variant (1).
Genome position (GRCh38, 1-based): chr12:98,533,887, A>G. VCF-style: chr12-98533887-A-G. GRCh37 (hg19) VCF-style: chr12-98927665-A-G.
Other names: c.565+2049A>G (NM_001307975.2, NM_001032284.3); c.1630A>G, p.Ile544Val (NM_003276.2); short protein forms I544V.
Identifiers: ClinVar variation 3648234 (VCV003648234.2).